The following is an entry in ClinVar:

NM_001349253.2(SCN11A):c.2981G>T (p.Cys994Phe)

Gene: SCN11A (sodium voltage-gated channel alpha subunit 11; minus strand). Cytogenetic location: 3p22.2.
Variant type: single nucleotide variant.
Coding change: c.2981G>T on transcript NM_001349253.2 (MANE Select); coding-DNA position 2981, G replaced by T.
Protein change: p.Cys994Phe; replaces cysteine 994 with phenylalanine.
Molecular consequence: missense variant.
Genome position (GRCh38, 1-based): chr3:38,885,371, C>A on the plus strand (G>T on the coding strand, the complement: SCN11A is on the minus strand). VCF-style: chr3-38885371-C-A. GRCh37 (hg19) VCF-style: chr3-38926862-C-A.
Other names: c.2981G>T, p.Cys994Phe (NM_014139.3); short protein forms C994F.
Identifiers: ClinVar variation 2921513 (VCV002921513.3), dbSNP rs2470541819, ClinGen allele CA352173788.

ClinVar aggregate classification (germline): Uncertain significance (1 of 4 stars; one submission).

Conditions:
Hereditary sensory and autonomic neuropathy type 7. Also called: Neuropathy, hereditary sensory and autonomic, type VII; HSAN VII. Identifiers: Orphanet 391397, MedGen C3809882, MONDO:0014244, OMIM 615548.
Familial episodic pain syndrome with predominantly lower limb involvement. Also called: Episodic pain syndrome, familial, 3. Identifiers: Orphanet 391384, Orphanet 391392, MedGen C3809899, MONDO:0014247, OMIM 615552.

Submission:

Labcorp Genetics (formerly Invitae), Labcorp
Classification: Uncertain significance for Familial episodic pain syndrome with predominantly lower limb involvement; Hereditary sensory and autonomic neuropathy type 7. Last evaluated: 2023-12-18. Review status: criteria provided, single submitter. Criteria: Invitae Variant Classification Sherloc (09022015). Collection method: clinical testing. Allele origin: germline.
Comment: This sequence change replaces cysteine, which is neutral and slightly polar, with phenylalanine, which is neutral and non-polar, at codon 994 of the SCN11A protein (p.Cys994Phe). This variant is not present in population databases (gnomAD no frequency). This variant has not been reported in the literature in individuals affected with SCN11A-related conditions. Advanced modeling of protein sequence and biophysical properties (such as structural, functional, and spatial information, amino acid conservation, physicochemical variation, residue mobility, and thermodynamic stability) performed at Invitae indicates that this missense variant is expected to disrupt SCN11A protein function with a positive predictive value of 80%. In summary, the available evidence is currently insufficient to determine the role of this variant in disease. Therefore, it has been classified as a Variant of Uncertain Significance.